The following is an entry in ClinVar:

ClinVar aggregate classification (germline): Benign. Review status: criteria provided, multiple submitters, no conflicts (2 of 4 stars). 3 submissions from 3 submitters: Benign (2). 1 of the submissions does not count toward it. Last evaluated 2018-07-04.

Conditions:
CNTN6-related disorder. Also called: CNTN6-related condition.

Allele frequency attached by ClinVar (database versions not stated): gnomAD exomes 0.00065; ExAC 0.00254; gnomAD 0.00735 and 0.00787; TOPMed 0.00777; 1000 Genomes Project 30x 0.00843; ESP Exome Variant Server 0.00869; 1000 Genomes Project 0.00899.
gnomAD v4.1: 2,065 of 1,549,394 alleles (0.13%); highest among the groups gnomAD compares: African/African-American, 2.6%; 31 homozygotes.

Submissions (3):

Labcorp Genetics (formerly Invitae), Labcorp
Classification: Benign. Last evaluated: 2018-07-04. Review status: criteria provided, single submitter. Criteria: Invitae Variant Classification Sherloc (09022015). Collection method: clinical testing. Allele origin: germline.

Breakthrough Genomics
Classification: Benign. Review status: criteria provided, single submitter. Criteria: ACMG Guidelines, 2015. Collection method: not provided. Allele origin: germline. Inheritance: Unknown mechanism. Affected: yes.

PreventionGenetics, part of Exact Sciences
Classification: Benign for CNTN6-related condition. Last evaluated: 2019-05-03. Review status: no assertion criteria provided. Collection method: clinical testing. Allele origin: germline. Not counted in ClinVar's aggregate classification.
Comment: This variant is classified as benign based on ACMG/AMP sequence variant interpretation guidelines (Richards et al. 2015 PMID: 25741868, with internal and published modifications).

NM_001289080.2(CNTN6):c.1392C>G (p.Leu464=)

Gene: CNTN6 (contactin 6; plus strand). Cytogenetic location: 3p26.3.
Variant type: single nucleotide variant.
Coding change: c.1392C>G on transcript NM_001289080.2 (MANE Select); coding-DNA position 1392, C replaced by G.
Protein change: p.Leu464=; no amino-acid change (leucine 464 retained).
Molecular consequence: synonymous variant.
Genome position (GRCh38, 1-based): chr3:1,352,351, C>G. VCF-style: chr3-1352351-C-G. GRCh37 (hg19) VCF-style: chr3-1394035-C-G.
Other names: c.1176C>G, p.Leu392= (NM_001289081.2); c.1392C>G, p.Leu464= (NM_001349350.2, NM_001349351.2, NM_001349352.2 and 4 more transcripts); c.1284C>G, p.Leu428= (NM_001349356.2); c.1080C>G, p.Leu360= (NM_001349357.2); c.837C>G, p.Leu279= (NM_001349358.2); c.270C>G, p.Leu90= (NM_001349359.2, NM_001349360.2, NM_001349361.2 and 1 more transcripts).
Identifiers: ClinVar variation 721103 (VCV000721103.6), dbSNP rs76487809, ClinGen allele CA2226147.